The following is an entry in ClinVar:

NM_018055.5(NODAL):c.778G>A (p.Gly260Arg)

Gene: NODAL (nodal growth differentiation factor; minus strand). Cytogenetic location: 10q22.1.
Variant type: single nucleotide variant.
Coding change: c.778G>A on transcript NM_018055.5 (MANE Select); coding-DNA position 778, G replaced by A.
Protein change: p.Gly260Arg; replaces glycine 260 with arginine.
Molecular consequence: missense variant.
Genome position (GRCh38, 1-based): chr10:70,435,399, C>T on the plus strand (G>A on the coding strand, the complement: NODAL is on the minus strand). VCF-style: chr10-70435399-C-T. GRCh37 (hg19) VCF-style: chr10-72195155-C-T.
Other names: c.379G>A, p.Gly127Arg (NM_001329906.2); short protein forms G260R, G127R.
Identifiers: ClinVar variation 8269 (VCV000008269.37), dbSNP rs121909283, ClinGen allele CA281595.
Genomic context (GRCh38, chr10:70,435,399, plus strand): 5'-ACTCGCCCTCACAGCGATAGGCGTTGTACTGCTTGGGGTAGATGATCCAGGAGCCCCATC[C>T]GATCAGGTTGAAGTCCACCTGGAACTTGACCTTCCGACACAGTTGACTTCTGTCTGGCAA-3'
Protein context (NP_060525.3, residues 250-270): VKFQVDFNLI[Gly260Arg]WGSWIIYPKQ

ClinVar aggregate classification (germline): Conflicting classifications of pathogenicity. Review status: criteria provided, conflicting classifications (1 of 4 stars). 11 submissions from 11 submitters: Likely pathogenic (3); Uncertain significance (5); Likely benign (1). 2 of the submissions do not count toward it. Last evaluated 2026-08-12.

Conditions:
Visceral heterotaxy. Also called: Heterotaxy syndrome; Heterotaxia. Identifiers: Orphanet 450, MedGen C3178805, MONDO:0018677.
NODAL-related disorder. Also called: NODAL-related disorders; NODAL-related condition. Identifiers: MedGen CN239298.
Inborn genetic diseases. Identifiers: MedGen C0950123, MeSH D030342.
Heterotaxy, visceral, 5, autosomal (HTX5). Also called: Heterotaxy, visceral, 5. Identifiers: Orphanet 450, MedGen C3495537, MONDO:0700112, OMIM 270100.
Wolff-Parkinson-White pattern. Also called: WPW SYNDROME; Auriculoventricular accessory pathway syndrome; False bundle branch block syndrome; Anomalous ventricular excitation syndrome. Identifiers: MedGen C0043202, MONDO:0008685, OMIM 194200, HP:0001716.

Allele frequency attached by ClinVar (database versions not stated): gnomAD 0.00004 and 0.00005; gnomAD exomes 0.00007 and 0.00031; TOPMed 0.00015; ExAC 0.00035.
gnomAD v4.1: 114 of 1,614,028 alleles (0.0071%); highest among the groups gnomAD compares: Admixed American, 0.16%; 1 homozygote.

Submissions (11):

GeneDx
Classification: Uncertain significance. Last evaluated: 2026-08-12. Review status: criteria provided, single submitter. Criteria: GeneDx Variant Classification Process June 2021. Collection method: clinical testing. Allele origin: germline.
Comment: Common variant identified among individuals of Hispanic background (PMID: 38570875); Published functional studies about the effect of this variant on NODAL signaling are conflicting (PMID: 19064609, 19553149); In silico analysis supports that this missense variant has a deleterious effect on protein structure/function; This variant is associated with the following publications: (PMID: Hussam2024[casereport], 19933292, 19553149, 22352765, 28738792, 27637763, 31019026, 31564432, 38570875, 19064609, 40543504, 40789547)

Labcorp Genetics (formerly Invitae), Labcorp
Classification: Likely benign for Heterotaxy, visceral, 5, autosomal. Last evaluated: 2025-11-25. Review status: criteria provided, single submitter. Criteria: Invitae Variant Classification Sherloc (09022015). Collection method: clinical testing. Allele origin: germline.

Ambry Genetics
Classification: Likely pathogenic for Inborn genetic diseases. Last evaluated: 2025-07-07. Review status: criteria provided, single submitter. Criteria: Ambry Variant Classification Scheme 2023. Collection method: clinical testing. Allele origin: germline.
Comment: The c.778G>A (p.G260R) alteration is located in exon 2 (coding exon 2) of the NODAL gene. This alteration results from a G to A substitution at nucleotide position 778, causing the glycine (G) at amino acid position 260 to be replaced by an arginine (R). Based on data from gnomAD, this allele has an overall frequency of 0.028% (80/282844) total alleles studied. The highest observed frequency was 0.22% (78/35440) of Latino alleles. This variant was reported in individual(s) with features consistent with NODAL-related laterality disorder (Mohapatra, 2009; Clark, 2019; Dardas, 2024). This amino acid position is highly conserved in available vertebrate species. Functional studies suggest a partial loss of function; however, additional evidence is needed to confirm these findings (Mohapatra, 2009; Roessler, 2009). This alteration is predicted to be deleterious by in silico analysis. Based on the available evidence, this alteration is classified as likely pathogenic.

PreventionGenetics, part of Exact Sciences
Classification: Uncertain significance for NODAL-related condition. Last evaluated: 2023-07-31. Review status: criteria provided, single submitter. Criteria: ACMG Guidelines, 2015. Collection method: clinical testing. Allele origin: germline.
Comment: The NODAL c.778G>A variant is predicted to result in the amino acid substitution p.Gly260Arg. Functional studies found this variant retains ~80% of normal NODAL activity (Roessler et al. 2009. PubMed ID: 19553149). However, this variant has also been reported in 0.22% of alleles in individuals of Latino descent in gnomAD and has conflicting interpretations of pathogenicity in ClinVar ranging from likely benign to likely pathogenic. At this time, the clinical significance of this variant is uncertain due to the absence of conclusive functional and genetic evidence.

Baylor Genetics
Classification: Uncertain significance for Heterotaxy, visceral, 5, autosomal. Last evaluated: 2021-12-15. Review status: criteria provided, single submitter. Criteria: ACMG Guidelines, 2015. Collection method: clinical testing. Allele origin: unknown.

ARUP Laboratories, Molecular Genetics and Genomics, ARUP Laboratories
Classification: Uncertain significance for Heterotaxy, visceral, 5, autosomal. Last evaluated: 2021-01-20. Review status: criteria provided, single submitter. Criteria: ARUP Molecular Germline Variant Investigation Process 2021. Collection method: clinical testing. Allele origin: germline.
Comment: The NODAL c.778G>A; p.Gly260Arg variant (rs121909283) is reported in the literature in multiple individuals affected with heterotaxy or cardiovascular malformations, although it has also been observed in healthy relatives and controls (Kingsmore 2019, Mohapatra 2009). This variant is found in the Latino population with an overall allele frequency of 0.22% (78/35440 alleles) in the Genome Aggregation Database. The glycine at codon 260 is highly conserved, and computational analyses predict that this variant is deleterious (REVEL: 0.793). Functional studies suggest that the variant protein has mildly reduced transcriptional activation activity relative to wildtype NODAL, but the clinical relevance of these effects is unclear (Mohapatra 2009, Roessler 2009). Due to limited and conflicting information, the clinical significance of the p.Gly260Arg variant is uncertain at this time. References: Kingsmore et al. A Randomized, Controlled Trial of the Analytic and Diagnostic Performance of Singleton and Trio, Rapid Genome and Exome Sequencing in Ill Infants. Am J Hum Genet. 2019 Oct 3;105(4):719-733. Mohapatra B et al. Identification and functional characterization of NODAL rare variants in heterotaxy and isolated cardiovascular malformations. Hum Mol Genet. 2009 Mar 1;18(5):861-71. Roessler E et al. Cumulative ligand activity of NODAL mutations and modifiers are linked to human heart defects and holoprosencephaly. Mol Genet Metab. 2009 Sep-Oct;98(1-2):225-34.

Genomic Medicine Lab, University of California San Francisco
Classification: Uncertain significance for Heterotaxy, visceral, 5, autosomal. Last evaluated: 2021-01-07. Review status: criteria provided, single submitter. Criteria: ACMG Guidelines, 2015. Collection method: clinical testing. Allele origin: unknown. Inheritance: Autosomal dominant inheritance. Affected: yes. Study: CSER-P3EGS.

Rady Children's Institute for Genomic Medicine, Rady Children's Hospital San Diego
Classification: Likely pathogenic for heterotaxia syndrome. Last evaluated: 2017-08-29. Review status: criteria provided, single submitter. Criteria: ACMG Guidelines, 2015. Collection method: clinical testing. Allele origin: germline. Affected: yes. Observed: 1 variant allele.
Comment: This missense variant is predicted to lead to decreased NODAL activity. This variant was previously described in 8/82 Hispanic patients with heterotaxy syndrome and severe congenital heart disease. This variant has an autosomal dominant transmission with reduced penetrance and variable expressivity (PMID: 19064609). It has a very low allele frequency in gnomAD (0.000278) and is almost exclusively seen in the Hispanic population. Based on the combined evidence of the literature and potential functional effects of this missense variant, the p.Gly260Arg variant is classified as likely pathogenic.

Juno Genomics, Hangzhou Juno Genomics, Inc
Classification: Likely pathogenic for Heterotaxy, visceral, 5, autosomal. Review status: criteria provided, single submitter. Criteria: ACMG Guidelines, 2015. Collection method: clinical testing. Allele origin: germline. Affected: yes.
Comment: Absent from controls (or at extremely low frequency if recessive) in Genome Aggregation Database, Exome Sequencing Project, 1000 Genomes Project, or Exome Aggregation Consortium.;Multiple lines of computational evidence support a deleterious effect on the gene or gene product (conservation, evolutionary, splicing impact, etc).;De novo (both maternity and paternity confirmed) in a patient with the disease and no family history.;The prevalence of the variant in affected individuals is significantly increased compared to the prevalence in controls.;Patient's phenotype or family history is highly specific for a disease with a single genetic etiology.

Lupski Lab, Baylor-Hopkins CMG, Baylor College of Medicine
Classification: Pathogenic for Wolff-Parkinson-White pattern. Last evaluated: 2017-07-14. Review status: no assertion criteria provided. Collection method: research. Allele origin: inherited. Affected: yes. Observed: 1 variant allele. Study: Candidate_variants_in_patients_with_ Wolff-Parkinson-White Syndrome. Not counted in ClinVar's aggregate classification.

OMIM
Classification: Pathogenic for HETEROTAXY, VISCERAL, 5, AUTOSOMAL. Last evaluated: 2009-03-01. Review status: no assertion criteria provided. Collection method: literature only. Allele origin: germline. Not counted in ClinVar's aggregate classification.

Literature cited by the submitters: PubMed 19064609 (cited by Ambry Genetics and OMIM); PubMed 19553149 (cited by Ambry Genetics); PubMed 31019026 (cited by Ambry Genetics); PubMed 38570875 (cited by Ambry Genetics).